The following is an entry in ClinVar:

ClinVar aggregate classification (germline): Uncertain significance (1 of 4 stars; one submission).

Conditions:
Neuropathy, hereditary sensory and autonomic, type 2A (HSAN2A). Also called: MORVAN DISEASE; NEUROPATHY, CONGENITAL SENSORY; NEUROPATHY, HEREDITARY SENSORY RADICULAR, AUTOSOMAL RECESSIVE; NEUROPATHY, HEREDITARY SENSORY, TYPE IIA; NEUROPATHY, PROGRESSIVE SENSORY, OF CHILDREN; ACROOSTEOLYSIS, GIACCAI TYPE. Identifiers: Orphanet 970, MedGen C2752089, MONDO:0024309, OMIM 201300.
Generalized epilepsy with febrile seizures plus, type 7 (GEFSP7). Also called: GEFS+, TYPE 7. Identifiers: Orphanet 36387, MedGen C2751778, MONDO:0013470, OMIM 613863.

Submission:

Labcorp Genetics (formerly Invitae), Labcorp
Classification: Uncertain significance for Neuropathy, hereditary sensory and autonomic, type 2A; Generalized epilepsy with febrile seizures plus, type 7. Last evaluated: 2024-05-16. Review status: criteria provided, single submitter. Criteria: Invitae Variant Classification Sherloc (09022015). Collection method: clinical testing. Allele origin: germline.
Comment: This sequence change replaces glutamic acid, which is acidic and polar, with glycine, which is neutral and non-polar, at codon 1012 of the SCN9A protein (p.Glu1012Gly). This variant is not present in population databases (gnomAD no frequency). This variant has not been reported in the literature in individuals affected with SCN9A-related conditions. Advanced modeling of protein sequence and biophysical properties (such as structural, functional, and spatial information, amino acid conservation, physicochemical variation, residue mobility, and thermodynamic stability) performed at Invitae indicates that this missense variant is not expected to disrupt SCN9A protein function with a negative predictive value of 95%. In summary, the available evidence is currently insufficient to determine the role of this variant in disease. Therefore, it has been classified as a Variant of Uncertain Significance.

NM_001365536.1(SCN9A):c.3068A>G (p.Glu1023Gly)

Genes: SCN1A-AS1 (SCN1A and SCN9A antisense RNA 1; plus strand), SCN9A (sodium voltage-gated channel alpha subunit 9; minus strand). Cytogenetic location: 2q24.3.
Variant type: single nucleotide variant.
Coding change: c.3068A>G on transcript NM_001365536.1 (MANE Select); coding-DNA position 3068, A replaced by G.
Protein change: p.Glu1023Gly; replaces glutamic acid 1023 with glycine.
Molecular consequence: missense variant.
Genome position (GRCh38, 1-based): chr2:166,272,682, T>C on the plus strand (A>G on the coding strand, the complement: SCN9A is on the minus strand). VCF-style: chr2-166272682-T-C. GRCh37 (hg19) VCF-style: chr2-167129192-T-C.
Other names: c.3035A>G, p.Glu1012Gly (NM_002977.4); short protein forms E1012G, E1023G.
Identifiers: ClinVar variation 3756382 (VCV003756382.2).